The following is an entry in ClinVar:

ClinVar aggregate classification (germline): Likely benign. Review status: criteria provided, multiple submitters, no conflicts (2 of 4 stars). 2 submissions from 2 submitters: Likely benign (2). Last evaluated 2025-06-01.

Conditions:
Charcot-Marie-Tooth disease axonal type 2O. Also called: CHARCOT-MARIE-TOOTH NEUROPATHY, AXONAL, TYPE 2O; CHARCOT-MARIE-TOOTH DISEASE, AXONAL, AUTOSOMAL DOMINANT, TYPE 2O; Charcot-Marie-Tooth Neuropathy Type 2O; Charcot-Marie-Tooth disease, axonal, type 20. Identifiers: Orphanet 284232, MedGen C3280220, MONDO:0013644, OMIM 614228.

Allele frequency attached by ClinVar (database versions not stated): gnomAD 0.00001; TOPMed 0.00001; gnomAD exomes 0.00002 and 0.00004; ExAC 0.00003.
gnomAD v4.1: 32 of 1,614,046 alleles (0.002%); highest among the groups gnomAD compares: East Asian, 0.047%; no homozygotes.

Submissions (2):

Labcorp Genetics (formerly Invitae), Labcorp
Classification: Likely benign for Charcot-Marie-Tooth disease axonal type 2O. Last evaluated: 2025-06-01. Review status: criteria provided, single submitter. Criteria: Invitae Variant Classification Sherloc (09022015). Collection method: clinical testing. Allele origin: germline.

CeGaT Center for Human Genetics Tuebingen
Classification: Likely benign. Last evaluated: 2024-05-01. Review status: criteria provided, single submitter. Criteria: CeGaT Center For Human Genetics Tuebingen Variant Classification Criteria Version 2. Collection method: clinical testing. Allele origin: germline. Affected: yes. Observed: 1 variant allele.
Comment: DYNC1H1: BP4, BP7

NM_001376.5(DYNC1H1):c.10353C>T (p.Tyr3451=)

Gene: DYNC1H1 (dynein cytoplasmic 1 heavy chain 1; plus strand). Cytogenetic location: 14q32.31.
Variant type: single nucleotide variant.
Coding change: c.10353C>T on transcript NM_001376.5 (MANE Select); coding-DNA position 10353, C replaced by T.
Protein change: p.Tyr3451=; no amino-acid change (tyrosine 3451 retained).
Molecular consequence: synonymous variant.
Genome position (GRCh38, 1-based): chr14:102,033,424, C>T. VCF-style: chr14-102033424-C-T. GRCh37 (hg19) VCF-style: chr14-102499761-C-T.
Identifiers: ClinVar variation 1529981 (VCV001529981.27), dbSNP rs752990027, ClinGen allele CA7353395.